The following is an entry in ClinVar:

ClinVar aggregate classification (germline): Uncertain significance (1 of 4 stars; one submission).

Allele frequency attached by ClinVar (database versions not stated): ESP Exome Variant Server 0.00008.

Submission:

Women's Health and Genetics/Laboratory Corporation of America, LabCorp
Classification: Uncertain significance. Last evaluated: 2024-04-17. Review status: criteria provided, single submitter. Criteria: LabCorp Variant Classification Summary - May 2015. Collection method: clinical testing. Allele origin: germline.
Comment: Variant summary: GJB2 c.676G>A (p.Val226Ile) results in a conservative amino acid change in the encoded protein sequence. Four of five in-silico tools predict a benign effect of the variant on protein function. The frequency data for this variant in gnomAD is considered unreliable, as metrics indicate poor data quality at this position. To our knowledge, no occurrence of c.676G>A in individuals affected with Non-Syndromic Hearing Loss and no experimental evidence demonstrating its impact on protein function have been reported. No submitters have cited clinical-significance assessments for this variant to ClinVar. Based on the evidence outlined above, the variant was classified as uncertain significance.

NM_004004.6(GJB2):c.676G>A (p.Val226Ile)

Gene: GJB2 (gap junction protein beta 2; minus strand). Cytogenetic location: 13q12.11.
Variant type: single nucleotide variant.
Coding change: c.676G>A on transcript NM_004004.6 (MANE Select); coding-DNA position 676, G replaced by A.
Protein change: p.Val226Ile; replaces valine 226 with isoleucine.
Molecular consequence: missense variant.
Genome position (GRCh38, 1-based): chr13:20,188,906, C>T on the plus strand (G>A on the coding strand, the complement: GJB2 is on the minus strand). VCF-style: chr13-20188906-C-T. GRCh37 (hg19) VCF-style: chr13-20763045-C-T.
Other names: short protein forms V226I.
Identifiers: ClinVar variation 3251914 (VCV003251914.1), dbSNP rs370868313.